The following is an entry in ClinVar:

NM_022051.3(EGLN1):c.110G>A (p.Arg37His)

Gene: EGLN1 (egl-9 family hypoxia inducible factor 1; minus strand). Cytogenetic location: 1q42.2.
Variant type: single nucleotide variant.
Coding change: c.110G>A on transcript NM_022051.3 (MANE Select); coding-DNA position 110, G replaced by A.
Protein change: p.Arg37His; replaces arginine 37 with histidine.
Molecular consequence: missense variant.
Genome position (GRCh38, 1-based): chr1:231,421,779, C>T on the plus strand (G>A on the coding strand, the complement: EGLN1 is on the minus strand). VCF-style: chr1-231421779-C-T. GRCh37 (hg19) VCF-style: chr1-231557525-C-T.
Other names: c.110G>A, p.Arg37His (NM_001377260.1, NM_001377261.1); short protein forms R37H.
Identifiers: ClinVar variation 2450390 (VCV002450390.3), dbSNP rs1292645712, ClinGen allele CA345239017.

ClinVar aggregate classification (germline): Uncertain significance (1 of 4 stars; one submission).

Allele frequency attached by ClinVar (database versions not stated): gnomAD exomes below 0.00001; TOPMed below 0.00001; gnomAD 0.00001.
gnomAD v4.1: 2 of 1,557,504 alleles (0.00013%); highest among the groups gnomAD compares: Non-Finnish European, 0.00017%; no homozygotes.

Submission:

Ambry Genetics
Classification: Uncertain significance. Last evaluated: 2025-09-21. Review status: criteria provided, single submitter. Criteria: Ambry Variant Classification Scheme 2023. Collection method: clinical testing. Allele origin: germline.
Comment: The p.R37H variant (also known as c.110G>A), located in coding exon 1 of the EGLN1 gene, results from a G to A substitution at nucleotide position 110. The arginine at codon 37 is replaced by histidine, an amino acid with highly similar properties. This amino acid position is conserved. In addition, the in silico prediction for this alteration is inconclusive. Since supporting evidence is limited at this time, the clinical significance of this alteration remains unclear.